The following is an entry in ClinVar:

NM_007126.5(VCP):c.330C>T (p.Tyr110=)

Gene: VCP (valosin containing protein; minus strand). Cytogenetic location: 9p13.3.
Variant type: single nucleotide variant.
Coding change: c.330C>T on transcript NM_007126.5 (MANE Select); coding-DNA position 330, C replaced by T.
Protein change: p.Tyr110=; no amino-acid change (tyrosine 110 retained).
Molecular consequence: synonymous variant.
Genome position (GRCh38, 1-based): chr9:35,066,790, G>A on the plus strand (C>T on the coding strand, the complement: VCP is on the minus strand). VCF-style: chr9-35066790-G-A. GRCh37 (hg19) VCF-style: chr9-35066787-G-A.
Other names: c.195C>T, p.Tyr65= (NM_001354927.2, NM_001354928.2); c.330C>T (NM_007126.3).
Identifiers: ClinVar variation 1565881 (VCV001565881.10), dbSNP rs1259531489, ClinGen allele CA464411372.
Genomic context (GRCh38, chr9:35,066,790, plus strand): 5'-GAGATTACCAGTAATGCCTTCCACTGTGTCATCAATGGGCAGCACATGGATACGTTTGCC[G>A]TACTTCACATCAGGGCATGGCTGGATGCTGAGGATGACAAGCAGACTCCATATTACCAAC-3'
Protein context (NP_009057.1, residues 100-120): ISIQPCPDVK[Tyr110=]GKRIHVLPID

ClinVar aggregate classification (germline): Likely benign. Review status: criteria provided, single submitter (1 of 4 stars). 2 submissions from 2 submitters: Likely benign (1). 1 of the submissions does not count toward it. Last evaluated 2022-08-16.

Conditions:
Inclusion body myopathy with Paget disease of bone and frontotemporal dementia. Also called: Inclusion body myopathy with early-onset Paget disease and frontotemporal dementia. Identifiers: Orphanet 52430, MedGen C1833662, MONDO:0000507.
Frontotemporal dementia and/or amyotrophic lateral sclerosis 6 (FTDALS6). Also called: VCP-Related Amyotrophic Lateral Sclerosis/Frontotemporal Dementia; VCP-Related Amyotrophic Lateral Sclerosis. Identifiers: Orphanet 275872, Orphanet 803, MedGen C5436279, MONDO:0013501, OMIM 613954.
VCP-related disorder. Also called: VCP-related condition; VCP-related disorders.

Allele frequency attached by ClinVar (database versions not stated): gnomAD exomes 0.00001; gnomAD 0.00002; TOPMed 0.00003.
gnomAD v4.1: 13 of 1,614,006 alleles (0.00081%); highest among the groups gnomAD compares: African/African-American, 0.004%; no homozygotes.

Submissions (2):

Labcorp Genetics (formerly Invitae), Labcorp
Classification: Likely benign for Inclusion body myopathy with Paget disease of bone and frontotemporal dementia; Frontotemporal dementia and/or amyotrophic lateral sclerosis 6. Last evaluated: 2022-08-16. Review status: criteria provided, single submitter. Criteria: Invitae Variant Classification Sherloc (09022015). Collection method: clinical testing. Allele origin: germline.

PreventionGenetics, part of Exact Sciences
Classification: Likely benign for VCP-related condition. Last evaluated: 2023-01-06. Review status: no assertion criteria provided. Collection method: clinical testing. Allele origin: germline. Not counted in ClinVar's aggregate classification.
Comment: This variant is classified as likely benign based on ACMG/AMP sequence variant interpretation guidelines (Richards et al. 2015 PMID: 25741868, with internal and published modifications).